The following is an entry in ClinVar:

NM_006912.6(RIT1):c.22G>A (p.Val8Ile)

Gene: RIT1 (Ras like without CAAX 1; minus strand). Cytogenetic location: 1q22.
Variant type: single nucleotide variant.
Coding change: c.22G>A on transcript NM_006912.6 (MANE Select); coding-DNA position 22, G replaced by A.
Protein change: p.Val8Ile; replaces valine 8 with isoleucine.
Molecular consequence: missense variant. On other transcripts: intron variant (1).
Genome position (GRCh38, 1-based): chr1:155,910,740, C>T on the plus strand (G>A on the coding strand, the complement: RIT1 is on the minus strand). VCF-style: chr1-155910740-C-T. GRCh37 (hg19) VCF-style: chr1-155880531-C-T.
Other names: c.73G>A, p.Val25Ile (NM_001256821.2); c.-2-234G>A (NM_001256820.2); short protein forms V25I, V8I.
Identifiers: ClinVar variation 3361908 (VCV003361908.1).

ClinVar aggregate classification (germline): Uncertain significance (1 of 4 stars; one submission).

gnomAD v4.1: 1 of 1,614,272 alleles (0.000062%); highest among the groups gnomAD compares: South Asian, 0.0011%; no homozygotes.

Submission:

GeneDx
Classification: Uncertain significance. Last evaluated: 2023-08-02. Review status: criteria provided, single submitter. Criteria: GeneDx Variant Classification Process June 2021. Collection method: clinical testing. Allele origin: germline. Affected: yes.
Comment: Has not been previously published as pathogenic or benign to our knowledge; At the protein level, in silico analysis supports that this missense variant does not alter protein structure/function; At the mRNA level, in silico analysis suggests this variant may impact gene splicing. In the absence of RNA/functional studies, the actual effect of this sequence change is unknown.